The following is an entry in ClinVar:

ClinVar aggregate classification (germline): Conflicting classifications of pathogenicity. Review status: criteria provided, conflicting classifications (1 of 4 stars). 3 submissions from 3 submitters: Likely pathogenic (1); Uncertain significance (2). Last evaluated 2025-06-02.

Conditions:
Developmental and epileptic encephalopathy, 25 (DEE25). Also called: Epileptic encephalopathy, early infantile, 25; Developmental and epileptic encephalopathy 25, with amelogenesis imperfecta; Epileptic encephalopathy, early infantile, 25, with amelogenesis imperfecta. Identifiers: Orphanet 442835, MedGen C4014621, MONDO:0014392, OMIM 615905.

Allele frequency attached by ClinVar (database versions not stated): gnomAD 0.00001; TOPMed 0.00001.
gnomAD v4.1: 37 of 1,606,514 alleles (0.0023%); highest among the groups gnomAD compares: East Asian, 0.0045%; no homozygotes.

Submissions (3):

Labcorp Genetics (formerly Invitae), Labcorp
Classification: Likely pathogenic for Developmental and epileptic encephalopathy, 25. Last evaluated: 2025-06-02. Review status: criteria provided, single submitter. Criteria: Invitae Variant Classification Sherloc (09022015). Collection method: clinical testing. Allele origin: germline.
Comment: This sequence change replaces proline, which is neutral and non-polar, with leucine, which is neutral and non-polar, at codon 487 of the SLC13A5 protein (p.Pro487Leu). This variant is present in population databases (no rsID available, gnomAD 0.002%). This missense change has been observed in individual(s) with clinical features of SLC13A5-related conditions (PMID: 35217970; internal data). In at least one individual the data is consistent with being in trans (on the opposite chromosome) from a pathogenic variant. ClinVar contains an entry for this variant (Variation ID: 933613). Invitae Evidence Modeling of protein sequence and biophysical properties (such as structural, functional, and spatial information, amino acid conservation, physicochemical variation, residue mobility, and thermodynamic stability) indicates that this missense variant is expected to disrupt SLC13A5 protein function with a positive predictive value of 80%. In summary, the currently available evidence indicates that the variant is pathogenic, but additional data are needed to prove that conclusively. Therefore, this variant has been classified as Likely Pathogenic.

GeneDx
Classification: Uncertain significance. Last evaluated: 2023-09-27. Review status: criteria provided, single submitter. Criteria: GeneDx Variant Classification Process June 2021. Collection method: clinical testing. Allele origin: germline. Affected: yes.
Comment: Reported with a second variant in the SLC13A5 gene in a patient with epilepsy and global developmental delay in published literature; however, segregation information was not provided (Spellbrink et al., 2023); Not observed at significant frequency in large population cohorts (gnomAD); In silico analysis supports that this missense variant has a deleterious effect on protein structure/function; This variant is associated with the following publications: (PMID: 35217970, 34822404, 37025451)

Broad Center for Mendelian Genomics, Broad Institute of MIT and Harvard
Classification: Uncertain significance for Developmental and epileptic encephalopathy, 25. Last evaluated: 2021-11-02. Review status: criteria provided, single submitter. Criteria: ACMG Guidelines, 2015. Collection method: curation. Allele origin: germline. Inheritance: Autosomal recessive inheritance.
Comment: The p.Pro487Leu variant in SLC13A5 has been reported in 1 individual with developmental and epileptic encephalopathy (TESS Cohort) and has been identified in 0.002% (3/127212) of European (Non-Finnish) chromosomes by the Genome Aggregation Database (gnomAD; dbSNP ID: rs779336736). Although this variant has been seen in the general population in a heterozygous state, its frequency is low enough to be consistent with a recessive carrier frequency. This variant has also been reported in ClinVar (Variation ID#: 933613) and has been interpreted as VUS by Invitae. Computational prediction tools and conservation analyses do not provide strong support for or against an impact to the protein. In summary, the clinical significance of the p.Pro487Leu variant is uncertain. ACMG/AMP Criteria applied: PM2_supporting (Richards 2015).

Literature cited by the submitters: PubMed 35217970 (cited by Labcorp Genetics (formerly Invitae), Labcorp).

NM_177550.5(SLC13A5):c.1460C>T (p.Pro487Leu)

Gene: SLC13A5 (solute carrier family 13 member 5; minus strand). Cytogenetic location: 17p13.1.
Variant type: single nucleotide variant.
Coding change: c.1460C>T on transcript NM_177550.5 (MANE Select); coding-DNA position 1460, C replaced by T.
Protein change: p.Pro487Leu; replaces proline 487 with leucine.
Molecular consequence: missense variant. On other transcripts: intron variant (1).
Genome position (GRCh38, 1-based): chr17:6,687,644, G>A on the plus strand (C>T on the coding strand, the complement: SLC13A5 is on the minus strand). VCF-style: chr17-6687644-G-A. GRCh37 (hg19) VCF-style: chr17-6590963-G-A.
Other names: NM_177550.5(SLC13A5):c.1460C>T; p.Pro487Leu; c.1409C>T, p.Pro470Leu (NM_001284509.2); c.1331C>T, p.Pro444Leu (NM_001284510.2); c.1438-1306C>T (NM_001143838.3); short protein forms P444L, P470L, P487L.
Identifiers: ClinVar variation 933613 (VCV000933613.11), dbSNP rs779336736, ClinGen allele CA287381519.